The following is an entry in ClinVar:

ClinVar aggregate classification (germline): Uncertain significance (1 of 4 stars; one submission).

Conditions:
Patterned macular dystrophy 1. Also called: MACULAR DYSTROPHY, BUTTERFLY-SHAPED PIGMENTARY; BUTTERFLY DYSTROPHY OF RETINAL PIGMENT EPITHELIUM. Identifiers: Orphanet 99001, MedGen C4551999, MONDO:0008210, OMIM 169150.

Submission:

Inherited Eye Disorders lab, UCL Institute of Ophthalmology
Classification: Uncertain significance for Patterned macular dystrophy 1. Last evaluated: 2019-02-07. Review status: criteria provided, single submitter. Criteria: ACMG Guidelines, 2015. Collection method: clinical testing. Allele origin: unknown. Inheritance: Autosomal dominant inheritance. Affected: no. Observed: 1 heterozygote.
Comment: The c.523T>G p.(Phe175Val) has not been reported in the literature, and has not been detected in control individuals from the gnomAD dataset.

NM_000322.5(PRPH2):c.523T>G (p.Phe175Val)

Gene: PRPH2 (peripherin 2; minus strand). Cytogenetic location: 6p21.1.
Variant type: single nucleotide variant.
Coding change: c.523T>G on transcript NM_000322.5 (MANE Select); coding-DNA position 523, T replaced by G.
Protein change: p.Phe175Val; replaces phenylalanine 175 with valine.
Molecular consequence: missense variant.
Genome position (GRCh38, 1-based): chr6:42,721,812, A>C on the plus strand (T>G on the coding strand, the complement: PRPH2 is on the minus strand). VCF-style: chr6-42721812-A-C. GRCh37 (hg19) VCF-style: chr6-42689550-A-C.
Other names: short protein forms F175V.
Identifiers: ClinVar variation 626250 (VCV000626250.3), dbSNP rs1562433845, ClinGen allele CA364137369.